The following is an entry in ClinVar:

NM_006767.4(LZTR1):c.2242T>G (p.Tyr748Asp)

Gene: LZTR1 (leucine zipper like post translational regulator 1; plus strand). Cytogenetic location: 22q11.21.
Variant type: single nucleotide variant.
Coding change: c.2242T>G on transcript NM_006767.4 (MANE Select); coding-DNA position 2242, T replaced by G.
Protein change: p.Tyr748Asp; replaces tyrosine 748 with aspartic acid.
Molecular consequence: missense variant.
Genome position (GRCh38, 1-based): chr22:20,996,718, T>G. VCF-style: chr22-20996718-T-G. GRCh37 (hg19) VCF-style: chr22-21351007-T-G.
Other names: short protein forms Y748D.
Identifiers: ClinVar variation 3238222 (VCV003238222.1), dbSNP rs2518625649.
Genomic context (GRCh38, chr22:20,996,718, plus strand): 5'-ACCAGCTTCCTTTAGTCAGCTCCTTAACCAGGCCCCAGCTACTTGTTTGCGGCCCCCTAC[T>G]ACTACGGCTTCTACAACAACCGGCTGCAGGCGTACTGCAAGCAGAACCTGGAGATGAACG-3'
Protein context (NP_006758.2, residues 738-758): DSLYLFAAPY[Tyr748Asp]YGFYNNRLQA

ClinVar aggregate classification (germline): Uncertain significance (1 of 4 stars; one submission).

Conditions:
Hereditary cancer-predisposing syndrome. Also called: Neoplastic Syndromes, Hereditary; Tumor predisposition; Hereditary neoplastic syndrome; Hereditary Cancer Syndrome. Identifiers: Orphanet 140162, MedGen C0027672, MeSH D009386, MONDO:0015356.
Cardiovascular phenotype. Identifiers: MedGen CN230736.

gnomAD v4.1: 1 of 1,613,570 alleles (0.000062%); highest among the groups gnomAD compares: Non-Finnish European, 0.000085%; no homozygotes.

Submission:

Ambry Genetics
Classification: Uncertain significance for Cardiovascular phenotype; Hereditary cancer-predisposing syndrome. Last evaluated: 2023-03-23. Review status: criteria provided, single submitter. Criteria: Ambry Variant Classification Scheme 2023. Collection method: clinical testing. Allele origin: germline.
Comment: The p.Y748D variant (also known as c.2242T>G), located in coding exon 19 of the LZTR1 gene, results from a T to G substitution at nucleotide position 2242. The tyrosine at codon 748 is replaced by aspartic acid, an amino acid with highly dissimilar properties. This amino acid position is conserved. In addition, this alteration is predicted to be deleterious by in silico analysis. Since supporting evidence is limited at this time, the clinical significance of this alteration remains unclear.